The following is an entry in ClinVar:

ClinVar aggregate classification (germline): Uncertain significance. Review status: criteria provided, multiple submitters, no conflicts (2 of 4 stars). 2 submissions from 2 submitters: Uncertain significance (2). Last evaluated 2025-04-18.

Conditions:
Hereditary cancer-predisposing syndrome. Also called: Tumor predisposition; Hereditary Cancer Syndrome; Hereditary neoplastic syndrome; Neoplastic Syndromes, Hereditary. Identifiers: Orphanet 140162, MedGen C0027672, MeSH D009386, MONDO:0015356.
Bloom syndrome (BLM). Also called: Bloom-Torre-Machacek syndrome. Identifiers: Orphanet 125, MedGen C0005859, MONDO:0008876, OMIM 210900.

Submissions (2):

Ambry Genetics
Classification: Uncertain significance for Hereditary cancer-predisposing syndrome. Last evaluated: 2025-04-18. Review status: criteria provided, single submitter. Criteria: Ambry Variant Classification Scheme 2023. Collection method: clinical testing. Allele origin: germline.
Comment: The p.Q97P variant (also known as c.290A>C), located in coding exon 2 of the BLM gene, results from an A to C substitution at nucleotide position 290. The glutamine at codon 97 is replaced by proline, an amino acid with similar properties. This amino acid position is conserved. In addition, this alteration is predicted to be tolerated by in silico analysis. Since supporting evidence is limited at this time, the clinical significance of this alteration remains unclear.

Labcorp Genetics (formerly Invitae), Labcorp
Classification: Uncertain significance for Bloom syndrome. Last evaluated: 2022-05-22. Review status: criteria provided, single submitter. Criteria: Invitae Variant Classification Sherloc (09022015). Collection method: clinical testing. Allele origin: germline.
Comment: This sequence change replaces glutamine, which is neutral and polar, with proline, which is neutral and non-polar, at codon 97 of the BLM protein (p.Gln97Pro). This variant is not present in population databases (gnomAD no frequency). This variant has not been reported in the literature in individuals affected with BLM-related conditions. Algorithms developed to predict the effect of missense changes on protein structure and function output the following: SIFT: "Deleterious"; PolyPhen-2: "Benign"; Align-GVGD: "Class C0". The proline amino acid residue is found in multiple mammalian species, which suggests that this missense change does not adversely affect protein function. In summary, the available evidence is currently insufficient to determine the role of this variant in disease. Therefore, it has been classified as a Variant of Uncertain Significance.

NM_000057.4(BLM):c.290A>C (p.Gln97Pro)

Gene: BLM (BLM RecQ like helicase; plus strand). Cytogenetic location: 15q26.1.
Variant type: single nucleotide variant.
Coding change: c.290A>C on transcript NM_000057.4 (MANE Select); coding-DNA position 290, A replaced by C.
Protein change: p.Gln97Pro; replaces glutamine 97 with proline.
Molecular consequence: missense variant. On other transcripts: 5 prime UTR variant (1).
Genome position (GRCh38, 1-based): chr15:90,749,558, A>C. VCF-style: chr15-90749558-A-C. GRCh37 (hg19) VCF-style: chr15-91292788-A-C.
Other names: c.290A>C, p.Gln97Pro (NM_001287246.2, NM_001287247.2); c.-1002A>C (NM_001287248.2); short protein forms Q97P.
Identifiers: ClinVar variation 1965447 (VCV001965447.4), dbSNP rs1895608704, ClinGen allele CA393840153.